The following is an entry in ClinVar:

ClinVar aggregate classification (germline): Pathogenic (1 of 4 stars; one submission).

Allele frequency attached by ClinVar (database versions not stated): ExAC 0.00001; gnomAD 0.00001; gnomAD exomes 0.00001; TOPMed 0.00001.
gnomAD v4.1: 9 of 1,613,738 alleles (0.00056%); highest among the groups gnomAD compares: African/African-American, 0.0013%; no homozygotes.

Submission:

Labcorp Genetics (formerly Invitae), Labcorp
Classification: Pathogenic. Last evaluated: 2023-04-24. Review status: criteria provided, single submitter. Criteria: Invitae Variant Classification Sherloc (09022015). Collection method: clinical testing. Allele origin: germline.
Comment: For these reasons, this variant has been classified as Pathogenic. ClinVar contains an entry for this variant (Variation ID: 1953971). This variant has not been reported in the literature in individuals affected with TRIP4-related conditions. This variant is present in population databases (rs769545692, gnomAD 0.003%). This sequence change creates a premature translational stop signal (p.Arg421*) in the TRIP4 gene. It is expected to result in an absent or disrupted protein product. Loss-of-function variants in TRIP4 are known to be pathogenic (PMID: 26924529, 27008887).

Literature cited by the submitters: PubMed 26924529; PubMed 27008887.

NM_016213.5(TRIP4):c.1261C>T (p.Arg421Ter)

Gene: TRIP4 (thyroid hormone receptor interactor 4; plus strand). Cytogenetic location: 15q22.31.
Variant type: single nucleotide variant.
Coding change: c.1261C>T on transcript NM_016213.5 (MANE Select); coding-DNA position 1261, C replaced by T.
Protein change: p.Arg421Ter; replaces arginine 421 with a stop codon.
Molecular consequence: nonsense. On other transcripts: non-coding transcript variant (1).
Genome position (GRCh38, 1-based): chr15:64,418,631, C>T. VCF-style: chr15-64418631-C-T. GRCh37 (hg19) VCF-style: chr15-64710830-C-T.
Other names: c.571C>T, p.Arg191Ter (NM_001321924.2); short protein forms R421*, R191*.
Identifiers: ClinVar variation 1953971 (VCV001953971.5), dbSNP rs769545692, ClinGen allele CA7609608.